The following is an entry in ClinVar:

NM_001375524.1(TRRAP):c.4868T>A (p.Leu1623Gln)

Gene: TRRAP (transformation/transcription domain associated protein; plus strand). Cytogenetic location: 7q22.1.
Variant type: single nucleotide variant.
Coding change: c.4868T>A on transcript NM_001375524.1 (MANE Select); coding-DNA position 4868, T replaced by A.
Protein change: p.Leu1623Gln; replaces leucine 1623 with glutamine.
Molecular consequence: missense variant.
Genome position (GRCh38, 1-based): chr7:98,949,496, T>A. VCF-style: chr7-98949496-T-A. GRCh37 (hg19) VCF-style: chr7-98547119-T-A.
Other names: c.4847T>A, p.Leu1616Gln (NM_001244580.2); c.4793T>A, p.Leu1598Gln (NM_003496.4); short protein forms L1616Q, L1623Q, L1598Q.
Identifiers: ClinVar variation 1960597 (VCV001960597.5), dbSNP rs1791233165, ClinGen allele CA368312943.

ClinVar aggregate classification (germline): Uncertain significance (1 of 4 stars; one submission).

Allele frequency attached by ClinVar (database versions not stated): gnomAD 0.00001.
gnomAD v4.1: 3 of 1,611,152 alleles (0.00019%); highest among the groups gnomAD compares: Admixed American, 0.0051%; no homozygotes.

Submission:

Labcorp Genetics (formerly Invitae), Labcorp
Classification: Uncertain significance. Last evaluated: 2022-03-14. Review status: criteria provided, single submitter. Criteria: Invitae Variant Classification Sherloc (09022015). Collection method: clinical testing. Allele origin: germline.
Comment: This sequence change replaces leucine, which is neutral and non-polar, with glutamine, which is neutral and polar, at codon 1598 of the TRRAP protein (p.Leu1598Gln). This variant is not present in population databases (gnomAD no frequency). In summary, the available evidence is currently insufficient to determine the role of this variant in disease. Therefore, it has been classified as a Variant of Uncertain Significance. Algorithms developed to predict the effect of missense changes on protein structure and function are either unavailable or do not agree on the potential impact of this missense change (SIFT: "Tolerated"; PolyPhen-2: "Possibly Damaging"; Align-GVGD: "Class C0"). This variant has not been reported in the literature in individuals affected with TRRAP-related conditions.